The following is an entry in ClinVar:

ClinVar aggregate classification (germline): Uncertain significance. Review status: criteria provided, multiple submitters, no conflicts (2 of 4 stars). 2 submissions from 2 submitters: Uncertain significance (2). Last evaluated 2025-02-06.

Conditions:
Autosomal recessive early-onset Parkinson disease 6 (PARK6). Also called: PARKINSON DISEASE 6, MODIFIER OF; PARKINSON DISEASE 6, EARLY-ONSET; PINK1-Related Parkinson Disease; PINK1 Type of Young-Onset Parkinson Disease. Identifiers: Orphanet 2828, MedGen C1853833, MONDO:0011613, OMIM 605909.

gnomAD v4.1: 61 of 1,614,022 alleles (0.0038%); highest among the groups gnomAD compares: South Asian, 0.065%; 1 homozygote.

Submissions (2):

Labcorp Genetics (formerly Invitae), Labcorp
Classification: Uncertain significance for Autosomal recessive early-onset Parkinson disease 6. Last evaluated: 2025-02-06. Review status: criteria provided, single submitter. Criteria: Invitae Variant Classification Sherloc (09022015). Collection method: clinical testing. Allele origin: germline.
Comment: This sequence change replaces alanine, which is neutral and non-polar, with valine, which is neutral and non-polar, at codon 504 of the PINK1 protein (p.Ala504Val). This variant is present in population databases (rs560377198, gnomAD 0.07%). This variant has not been reported in the literature in individuals affected with PINK1-related conditions. Invitae Evidence Modeling of protein sequence and biophysical properties (such as structural, functional, and spatial information, amino acid conservation, physicochemical variation, residue mobility, and thermodynamic stability) has been performed for this missense variant. However, the output from this modeling did not meet the statistical confidence thresholds required to predict the impact of this variant on PINK1 protein function. In summary, the available evidence is currently insufficient to determine the role of this variant in disease. Therefore, it has been classified as a Variant of Uncertain Significance.

Blueprint Genetics
Classification: Uncertain significance. Last evaluated: 2024-03-18. Review status: criteria provided, single submitter. Criteria: ACMG Guidelines, 2015. Collection method: clinical testing. Allele origin: germline.

NM_032409.3(PINK1):c.1511C>T (p.Ala504Val)

Genes: PINK1 (PTEN induced kinase 1; plus strand), PINK1-AS (PINK1 antisense RNA; minus strand). Cytogenetic location: 1p36.12.
Variant type: single nucleotide variant.
Coding change: c.1511C>T on transcript NM_032409.3 (MANE Select); coding-DNA position 1511, C replaced by T.
Protein change: p.Ala504Val; replaces alanine 504 with valine.
Molecular consequence: missense variant. On other transcripts: non-coding transcript variant (1).
Genome position (GRCh38, 1-based): chr1:20,650,456, C>T. VCF-style: chr1-20650456-C-T. GRCh37 (hg19) VCF-style: chr1-20976949-C-T.
Other names: short protein forms A504V.
Identifiers: ClinVar variation 3730778 (VCV003730778.3).